The following is an entry in ClinVar:

NM_014989.7(RIMS1):c.3194+1G>A

Gene: RIMS1 (regulating synaptic membrane exocytosis 1; plus strand). Cytogenetic location: 6q13.
Variant type: single nucleotide variant.
Coding change: c.3194+1G>A on transcript NM_014989.7 (MANE Select); the canonical splice donor site of the intron after coding-DNA position 3194, G replaced by A.
Molecular consequence: splice donor variant. On other transcripts: intron variant (58).
Genome position (GRCh38, 1-based): chr6:72,265,053, G>A. VCF-style: chr6-72265053-G-A. GRCh37 (hg19) VCF-style: chr6-72974756-G-A.
Other names: c.1470-907G>A (NM_001350428.2, NM_001350459.2, NM_001350424.2 and 1 more transcripts); c.1467-907G>A (NM_001350437.2, NM_001350430.2, NM_001350421.2 and 1 more transcripts); c.1616+1G>A (NM_001350458.2); c.1539-907G>A (NM_001350433.2, NM_001350446.2, NM_001350442.2 and 8 more transcripts); c.1538+4286G>A (NM_001350431.2); c.1476-907G>A (NM_001350457.2); c.1475+5942G>A (NM_001350460.2, NM_001350426.2, NM_001350429.2 and 1 more transcripts); c.1613+1G>A (NM_001350436.2, NM_001350434.2, NM_001350418.2); and 13 more.
Identifiers: ClinVar variation 374696 (VCV000374696.47), dbSNP rs1057519205, ClinGen allele CA16043853.
Genomic context (GRCh38, chr6:72,265,053, plus strand): 5'-TAAAACATTACCTCCCAAGATGCCTTTATTACAGAGCAGTTCTCACTGGAATATTTACAG[G>A]TAAGAGCCCTAACAGTGAGTCCCACCCAGTTATAAAGTAATTCCTAATCCCTTGCCTACT-3'

ClinVar aggregate classification (germline): Conflicting classifications of pathogenicity. Review status: criteria provided, conflicting classifications (1 of 4 stars). 3 submissions from 3 submitters: Pathogenic (1); Likely pathogenic (1); Uncertain significance (1). Last evaluated 2023-10-24.

Conditions:
Ornithine aminotransferase deficiency (GACR). Also called: Ornithine ketoacid aminotransferase deficiency; Gyrate atrophy; Gyrate atrophy of choroid and retina; Girate atrophy of the retina; OAT DEFICIENCY; OKT DEFICIENCY. Identifiers: Orphanet 414, MedGen C0018425, MONDO:0009796, OMIM 258870.

Allele frequency attached by ClinVar (database versions not stated): gnomAD exomes below 0.00001; TOPMed below 0.00001.
gnomAD v4.1: 2 of 1,568,126 alleles (0.00013%); highest among the groups gnomAD compares: Middle Eastern, 0.017%; no homozygotes.

Submissions (3):

Labcorp Genetics (formerly Invitae), Labcorp
Classification: Uncertain significance. Last evaluated: 2023-10-24. Review status: criteria provided, single submitter. Criteria: Invitae Variant Classification Sherloc (09022015). Collection method: clinical testing. Allele origin: germline.
Comment: This sequence change affects a donor splice site in intron 20 of the RIMS1 gene. It is expected to disrupt RNA splicing. Variants that disrupt the donor or acceptor splice site typically lead to a loss of protein function (PMID: 16199547), however the current clinical and genetic evidence is not sufficient to establish whether loss-of-function variants in RIMS1 cause disease. This variant is not present in population databases (gnomAD no frequency). Disruption of this splice site has been observed in individual(s) with inherited retinal disease (PMID: 32531858). ClinVar contains an entry for this variant (Variation ID: 374696). Algorithms developed to predict the effect of sequence changes on RNA splicing suggest that this variant may disrupt the consensus splice site. In summary, the available evidence is currently insufficient to determine the role of this variant in disease. Therefore, it has been classified as a Variant of Uncertain Significance.

Molecular Genetics Laboratory, Institute for Ophthalmic Research
Classification: Pathogenic for Gyrate atrophy. Last evaluated: 2020-01-09. Review status: criteria provided, single submitter. Criteria: ACMG Guidelines, 2015. Collection method: research. Allele origin: germline. Affected: yes.

CeGaT Center for Human Genetics Tuebingen
Classification: Likely pathogenic. Last evaluated: 2016-04-01. Review status: criteria provided, single submitter. Criteria: CeGaT Center For Human Genetics Tuebingen Variant Classification Criteria Version 2. Collection method: clinical testing. Allele origin: germline. Affected: yes. Observed: 1 variant allele.

Literature cited by the submitters: PubMed 16199547 (cited by Labcorp Genetics (formerly Invitae), Labcorp); PubMed 32531858 (cited by Labcorp Genetics (formerly Invitae), Labcorp).